The following is an entry in ClinVar:

NM_000218.3(KCNQ1):c.1032+1_1129-1del

Gene: KCNQ1 (potassium voltage-gated channel subfamily Q member 1; plus strand). Cytogenetic location: 11p15.5.
Variant type: Deletion.
Coding change: c.1032+1_1129-1del on transcript NM_000218.3 (MANE Select); the canonical splice donor site of the intron after coding-DNA position 1032 through the canonical splice acceptor site of the intron before coding-DNA position 1129, 4,024 bases deleted.
Molecular consequence: splice acceptor variant, splice donor variant.
Genome position (GRCh38, 1-based): chr11:2,583,546-2,587,569, 4,024 bases deleted. GRCh37 (hg19): chr11:2,604,776-2,608,799.
Other names: c.762+1_859-1del (NM_001406837.1); c.1032+1_1033-1del (NM_001406836.1); c.588+1_589-1del (NM_001406838.1); c.651+1_748-1del (NM_181798.2).
Identifiers: ClinVar variation 977170 (VCV000977170.3), ClinGen allele CA1139661776.

ClinVar aggregate classification (germline): Likely pathogenic (0 of 4 stars; one submission).

Conditions:
Long QT syndrome (LQTS). Identifiers: MedGen C0023976, MeSH D008133, MONDO:0002442, HP:0001657. Disease mechanism: loss of function. Inheritance: Various modes of inheritance.

Submission:

Agnes Ginges Centre for Molecular Cardiology, Centenary Institute
Classification: Likely pathogenic for Long QT syndrome. Last evaluated: 2019-09-25. Review status: no assertion criteria provided. Collection method: research. Allele origin: germline. Inheritance: Autosomal dominant inheritance. Affected: yes.
Comment: For further information please feel free to contact us.